The following is an entry in ClinVar:

ClinVar aggregate classification (germline): Likely benign (1 of 4 stars; one submission).

Allele frequency attached by ClinVar (database versions not stated): 1000 Genomes Project 30x 0.00609; 1000 Genomes Project 0.00679; TOPMed 0.01011; gnomAD 0.01125 and 0.01142.
gnomAD v4.1: 1,729 of 151,828 alleles (1.1%); highest among the groups gnomAD compares: Non-Finnish European, 1.7%; 18 homozygotes.

Submissions (2):

GeneDx
Classification: Likely benign. Last evaluated: 2018-06-14. Review status: criteria provided, single submitter. Criteria: GeneDx Variant Classification (06012015). Collection method: clinical testing. Allele origin: germline. Affected: yes.
Comment: This variant is considered likely benign or benign based on one or more of the following criteria: it is a conservative change, it occurs at a poorly conserved position in the protein, it is predicted to be benign by multiple in silico algorithms, and/or has population frequency not consistent with disease.

Dr. Peter K. Rogan Lab, Western University
No classification provided (evidence only). Condition: Acute myeloid leukemia. Review status: no classification provided. Collection method: in vitro. Allele origin: not applicable. Functional consequence: retained intron. Not counted in ClinVar's aggregate classification.

NM_002491.3(NDUFB3):c.140+251C>T

Gene: NDUFB3 (NADH:ubiquinone oxidoreductase subunit B3; plus strand). Cytogenetic location: 2q33.1.
Variant type: single nucleotide variant.
Coding change: c.140+251C>T on transcript NM_002491.3 (MANE Select); 251 bases into the intron after coding-DNA position 140, C replaced by T.
Molecular consequence: intron variant.
Genome position (GRCh38, 1-based): chr2:201,079,273, C>T. VCF-style: chr2-201079273-C-T. GRCh37 (hg19) VCF-style: chr2-201943996-C-T.
Other names: NC_000002.11:g.201943996C>T; c.140+251C>T (NM_001257102.2).
Identifiers: ClinVar variation 672606 (VCV000672606.2), dbSNP rs144629284, ClinGen allele CA63864559.